The following is an entry in ClinVar:

NM_000287.4(PEX6):c.2152C>G (p.Leu718Val)

Gene: PEX6 (peroxisomal biogenesis factor 6; minus strand). Cytogenetic location: 6p21.1.
Variant type: single nucleotide variant.
Coding change: c.2152C>G on transcript NM_000287.4 (MANE Select); coding-DNA position 2152, C replaced by G.
Protein change: p.Leu718Val; replaces leucine 718 with valine.
Molecular consequence: missense variant.
Genome position (GRCh38, 1-based): chr6:42,966,390, G>C on the plus strand (C>G on the coding strand, the complement: PEX6 is on the minus strand). VCF-style: chr6-42966390-G-C. GRCh37 (hg19) VCF-style: chr6-42934128-G-C.
Other names: c.1888C>G, p.Leu630Val (NM_001316313.2); short protein forms L718V, L630V.
Identifiers: ClinVar variation 1389655 (VCV001389655.6), dbSNP rs1769807803, ClinGen allele CA364152394.

ClinVar aggregate classification (germline): Uncertain significance (1 of 4 stars; one submission).

Conditions:
Peroxisome biogenesis disorder. Identifiers: Orphanet 79189, MedGen C1832200, MONDO:0019234. Disease mechanism: loss of function.

Allele frequency attached by ClinVar (database versions not stated): TOPMed 0.00001.

Submission:

Labcorp Genetics (formerly Invitae), Labcorp
Classification: Uncertain significance for Peroxisome biogenesis disorder. Last evaluated: 2022-08-16. Review status: criteria provided, single submitter. Criteria: Invitae Variant Classification Sherloc (09022015). Collection method: clinical testing. Allele origin: germline.
Comment: This sequence change replaces leucine, which is neutral and non-polar, with valine, which is neutral and non-polar, at codon 718 of the PEX6 protein (p.Leu718Val). This variant is not present in population databases (gnomAD no frequency). Algorithms developed to predict the effect of missense changes on protein structure and function are either unavailable or do not agree on the potential impact of this missense change (SIFT: "Tolerated"; PolyPhen-2: "Possibly Damaging"; Align-GVGD: "Class C0"). In summary, the available evidence is currently insufficient to determine the role of this variant in disease. Therefore, it has been classified as a Variant of Uncertain Significance. This variant has not been reported in the literature in individuals affected with PEX6-related conditions. ClinVar contains an entry for this variant (Variation ID: 1389655).